The following is an entry in ClinVar:

NM_005633.3:c.1-36_1-34delGCC

Gene: SOS1 (SOS Ras/Rac guanine nucleotide exchange factor 1; minus strand). Cytogenetic location: 2p22.1.
Variant type: Deletion.
Other names: c.1-36_1-34del (LRG_754t1).
Identifiers: ClinVar variation 181535 (VCV000181535.1).

ClinVar aggregate classification (germline): Benign (1 of 4 stars; one submission).

Conditions:
RASopathy. Also called: rasopathies; Noonan spectrum disorder. Identifiers: Orphanet 536391, MedGen C5555857, MONDO:0021060.

Submission:

GeneDx
Classification: Benign for Rasopathy. Last evaluated: 2014-02-28. Review status: criteria provided, single submitter. Criteria: GeneDx Variant Classification (06012015). Collection method: clinical testing. Allele origin: germline. Affected: yes.
Comment: The variant is found in NOONAN panel(s).